The following is an entry in ClinVar:

NM_000218.3(KCNQ1):c.624C>T (p.Ala208=)

Gene: KCNQ1 (potassium voltage-gated channel subfamily Q member 1; plus strand). Cytogenetic location: 11p15.5.
Variant type: single nucleotide variant.
Coding change: c.624C>T on transcript NM_000218.3 (MANE Select); coding-DNA position 624, C replaced by T.
Protein change: p.Ala208=; no amino-acid change (alanine 208 retained).
Molecular consequence: synonymous variant. On other transcripts: intron variant (1).
Genome position (GRCh38, 1-based): chr11:2,571,344, C>T. VCF-style: chr11-2571344-C-T. GRCh37 (hg19) VCF-style: chr11-2592574-C-T.
Other names: c.624C>T, p.Ala208= (NM_001406836.1); c.354C>T, p.Ala118= (NM_001406837.1); c.243C>T, p.Ala81= (NM_181798.2); c.478-12091C>T (NM_001406838.1).
Identifiers: ClinVar variation 392003 (VCV000392003.9), dbSNP rs1057524320, ClinGen allele CA16606223.

ClinVar aggregate classification (germline): Likely benign. Review status: criteria provided, multiple submitters, no conflicts (2 of 4 stars). 3 submissions from 3 submitters: Likely benign (3). Last evaluated 2025-02-06.

Conditions:
Long QT syndrome (LQTS). Identifiers: MedGen C0023976, MeSH D008133, MONDO:0002442. Disease mechanism: loss of function. Inheritance: Various modes of inheritance.
Cardiovascular phenotype. Identifiers: MedGen CN230736.

Allele frequency attached by ClinVar (database versions not stated): gnomAD exomes below 0.00001.
gnomAD v4.1: 2 of 1,613,342 alleles (0.00012%); highest among the groups gnomAD compares: South Asian, 0.0011%; no homozygotes.

Submissions (3):

Ambry Genetics
Classification: Likely benign for Cardiovascular phenotype. Last evaluated: 2025-02-06. Review status: criteria provided, single submitter. Criteria: Ambry Variant Classification Scheme 2023. Collection method: clinical testing. Allele origin: germline.

Labcorp Genetics (formerly Invitae), Labcorp
Classification: Likely benign for Long QT syndrome. Last evaluated: 2022-04-10. Review status: criteria provided, single submitter. Criteria: Invitae Variant Classification Sherloc (09022015). Collection method: clinical testing. Allele origin: germline.

GeneDx
Classification: Likely benign. Last evaluated: 2016-12-20. Review status: criteria provided, single submitter. Criteria: GeneDx Variant Classification (06012015). Collection method: clinical testing. Allele origin: germline. Affected: yes.
Comment: This variant is considered likely benign or benign based on one or more of the following criteria: it is a conservative change, it occurs at a poorly conserved position in the protein, it is predicted to be benign by multiple in silico algorithms, and/or has population frequency not consistent with disease.